The following is an entry in ClinVar:

NM_000059.4(BRCA2):c.4679G>A (p.Ser1560Asn)

Gene: BRCA2 (BRCA2 DNA repair associated; plus strand). Cytogenetic location: 13q13.1.
Variant type: single nucleotide variant.
Coding change: c.4679G>A on transcript NM_000059.4 (MANE Select); coding-DNA position 4679, G replaced by A.
Protein change: p.Ser1560Asn; replaces serine 1560 with asparagine.
Molecular consequence: missense variant.
Genome position (GRCh38, 1-based): chr13:32,339,034, G>A. VCF-style: chr13-32339034-G-A. GRCh37 (hg19) VCF-style: chr13-32913171-G-A.
Other names: short protein forms S1560N.
Identifiers: ClinVar variation 1687123 (VCV001687123.7), dbSNP rs2137508985, ClinGen allele CA387782810.
Genomic context (GRCh38, chr13:32,339,034, plus strand): 5'-ACAAAGTGAAAAACCTTTTTGATGAAAAAGAGCAAGGTACTAGTGAAATCACCAGTTTTA[G>A]CCATCAATGGGCAAAGACCCTAAAGTACAGAGAGGCCTGTAAAGACCTTGAATTAGCATG-3'
Protein context (NP_000050.3, residues 1550-1570): EQGTSEITSF[Ser1560Asn]HQWAKTLKYR

ClinVar aggregate classification (germline): Conflicting classifications of pathogenicity. Review status: criteria provided, conflicting classifications (1 of 4 stars). 4 submissions from 4 submitters: Uncertain significance (1); Likely benign (2). 1 of the submissions does not count toward it. Last evaluated 2024-09-04.

Conditions:
Hereditary cancer-predisposing syndrome. Also called: Neoplastic Syndromes, Hereditary; Hereditary neoplastic syndrome; Tumor predisposition; Hereditary Cancer Syndrome. Identifiers: Orphanet 140162, MedGen C0027672, MeSH D009386, MONDO:0015356.
Familial cancer of breast. Also called: hereditary breast carcinoma; BREAST CANCER, FAMILIAL; Hereditary breast cancer. Identifiers: Orphanet 227535, MedGen C0346153, MONDO:0016419, OMIM 114480. Disease mechanism: loss of function.
Breast-ovarian cancer, familial, susceptibility to, 2 (BROVCA2). Also called: BRCA2 Hereditary Breast and Ovarian Cancer. Identifiers: Orphanet 145, MedGen C2675520, MONDO:0012933, OMIM 612555. Disease mechanism: loss of function.

Allele frequency attached by ClinVar (database versions not stated): gnomAD exomes below 0.00001.

Submissions (4):

Ambry Genetics
Classification: Likely benign for Hereditary cancer-predisposing syndrome. Last evaluated: 2024-09-04. Review status: criteria provided, single submitter. Criteria: Ambry Variant Classification Scheme 2023. Collection method: clinical testing. Allele origin: germline.

KCCC/NGS Laboratory, Kuwait Cancer Control Center
Classification: Uncertain significance for Breast-ovarian cancer, familial, susceptibility to, 2. Last evaluated: 2023-06-06. Review status: criteria provided, single submitter. Criteria: ACMG Guidelines, 2015. Collection method: clinical testing. Allele origin: germline. Affected: yes.
Comment: This missense variant replaces serine with asparagine at codon 1560 of the BRCA2 protein. Computational prediction suggests that this variant may not impact protein structure and function . Functional studies have not been reported for this variant. This codon position (c.4678A>G (p.Ser1560Gly) was previous reported (ClinVar ID: 631300) and described as of uncertain significance. This variant has not been identified in the general population by the Genome Aggregation Database (gnomAD). The available evidence is insufficient to determine the role of this variant in disease conclusively. Therefore, this variant is classified as a Variant of Uncertain Significance.

University of Washington Department of Laboratory Medicine, University of Washington
Classification: Likely benign for Hereditary cancer-predisposing syndrome. Last evaluated: 2023-03-23. Review status: criteria provided, single submitter. Criteria: Dines et al. (Genet Med. 2020). Collection method: curation. Allele origin: germline.
Comment: Missense variant in a coldspot region where missense variants are very unlikely to be pathogenic (PMID:31911673).

BRCA2 exon 11 coldspot. Reclassification based on statistical prior probability.

Center for Precision Medicine, Meizhou People's Hospital
Classification: Uncertain significance for Familial cancer of breast. Review status: no assertion criteria provided. Collection method: curation. Allele origin: germline. Affected: yes. Not counted in ClinVar's aggregate classification.